The following is an entry in ClinVar:

ClinVar aggregate classification (germline): Benign (1 of 4 stars; one submission).

Submission:

CeGaT Center for Human Genetics Tuebingen
Classification: Benign. Last evaluated: 2025-09-01. Review status: criteria provided, single submitter. Criteria: CeGaT Center For Human Genetics Tuebingen Variant Classification Criteria Version 2. Collection method: clinical testing. Allele origin: germline. Affected: yes. Observed: 1 variant allele.
Comment: FANCL: BS1, BS2

NM_018062.4(FANCL):c.374+8264G>A

Gene: FANCL (FA complementation group L; minus strand). Cytogenetic location: 2p16.1.
Variant type: single nucleotide variant.
Coding change: c.374+8264G>A on transcript NM_018062.4 (MANE Select); 8264 bases into the intron after coding-DNA position 374, G replaced by A.
Molecular consequence: intron variant.
Genome position (GRCh38, 1-based): chr2:58,213,678, C>T on the plus strand (G>A on the coding strand, the complement: FANCL is on the minus strand). VCF-style: chr2-58213678-C-T. GRCh37 (hg19) VCF-style: chr2-58440813-C-T.
Other names: c.96+27540G>A (NM_001438892.1); c.374+8264G>A (NM_001438891.1, NM_001374615.1, NM_001438889.1 and 3 more transcripts).
Identifiers: ClinVar variation 4280811 (VCV004280811.7).